The following is an entry in ClinVar:

NM_001267550.2(TTN):c.92582G>A (p.Cys30861Tyr)

Genes: TTN-AS1 (TTN antisense RNA 1; plus strand), TTN (titin; minus strand). Cytogenetic location: 2q31.2.
Variant type: single nucleotide variant.
Coding change: c.92582G>A on transcript NM_001267550.2 (MANE Select); coding-DNA position 92582, G replaced by A.
Protein change: p.Cys30861Tyr; replaces cysteine 30861 with tyrosine.
Molecular consequence: missense variant.
Genome position (GRCh38, 1-based): chr2:178,549,044, C>T on the plus strand (G>A on the coding strand, the complement: TTN is on the minus strand). VCF-style: chr2-178549044-C-T. GRCh37 (hg19) VCF-style: chr2-179413771-C-T.
Other names: c.87659G>A, p.Cys29220Tyr (NM_001256850.1); c.65387G>A, p.Cys21796Tyr (NM_003319.4); c.84878G>A, p.Cys28293Tyr (NM_133378.4); c.65762G>A, p.Cys21921Tyr (NM_133432.3); c.65963G>A, p.Cys21988Tyr (NM_133437.4); short protein forms C21796Y, C30861Y, C29220Y, C21988Y, C28293Y, C21921Y.
Identifiers: ClinVar variation 518890 (VCV000518890.7), dbSNP rs1045877862, ClinGen allele CA60974474.

ClinVar aggregate classification (germline): Uncertain significance. Review status: criteria provided, multiple submitters, no conflicts (2 of 4 stars). 2 submissions from 2 submitters: Uncertain significance (2). Last evaluated 2018-10-09.

Conditions:
Cardiovascular phenotype. Identifiers: MedGen CN230736.
Dilated cardiomyopathy 1G (CMD1G). Identifiers: Orphanet 154, MedGen C1858763, MONDO:0011400, OMIM 604145.
Autosomal recessive limb-girdle muscular dystrophy type 2J (LGMDR10). Also called: Limb-girdle muscular dystrophy, type 2J; MUSCULAR DYSTROPHY, LIMB-GIRDLE, AUTOSOMAL RECESSIVE 10. Identifiers: Orphanet 140922, MedGen C1837342, MONDO:0012127, OMIM 608807.

Allele frequency attached by ClinVar (database versions not stated): TOPMed below 0.00001; gnomAD exomes 0.00001.
gnomAD v4.1: 5 of 1,613,872 alleles (0.00031%); highest among the groups gnomAD compares: Non-Finnish European, 0.00042%; no homozygotes.

Submissions (2):

Ambry Genetics
Classification: Uncertain significance for Cardiovascular phenotype. Last evaluated: 2018-10-09. Review status: criteria provided, single submitter. Criteria: Ambry Variant Classification Scheme 2023. Collection method: clinical testing. Allele origin: germline.
Comment: The p.C21796Y variant (also known as c.65387G>A), located in coding exon 166 of the TTN gene, results from a G to A substitution at nucleotide position 65387. The cysteine at codon 21796 is replaced by tyrosine, an amino acid with highly dissimilar properties. This amino acid position is highly conserved in available vertebrate species. In addition, the in silico prediction for this alteration is inconclusive. Since supporting evidence is limited at this time, the clinical significance of this alteration remains unclear.

Labcorp Genetics (formerly Invitae), Labcorp
Classification: Uncertain significance for Dilated cardiomyopathy 1G; Autosomal recessive limb-girdle muscular dystrophy type 2J. Last evaluated: 2017-11-17. Review status: criteria provided, single submitter. Criteria: Invitae Variant Classification Sherloc (09022015). Collection method: clinical testing. Allele origin: germline.